The following is an entry in ClinVar:

NM_002473.6(MYH9):c.3838-8C>T

Gene: MYH9 (myosin heavy chain 9; minus strand). Cytogenetic location: 22q12.3.
Variant type: single nucleotide variant.
Coding change: c.3838-8C>T on transcript NM_002473.6 (MANE Select); 8 bases into the intron before coding-DNA position 3838, C replaced by T.
Molecular consequence: intron variant.
Genome position (GRCh38, 1-based): chr22:36,293,871, G>A on the plus strand (C>T on the coding strand, the complement: MYH9 is on the minus strand). VCF-style: chr22-36293871-G-A. GRCh37 (hg19) VCF-style: chr22-36689917-G-A.
Other names: p.?.
Identifiers: ClinVar variation 44561 (VCV000044561.27), dbSNP rs145429636, ClinGen allele CA134533.

ClinVar aggregate classification (germline): Benign/Likely benign. Review status: criteria provided, multiple submitters, no conflicts (2 of 4 stars). 12 submissions from 11 submitters: Benign (11); Likely benign (1). Last evaluated 2026-01-26.

Conditions:
MYH9-related disorder. Identifiers: MedGen C1854520.
Autosomal dominant nonsyndromic hearing loss 17. Also called: Deafness, autosomal dominant 17; Autosomal dominant nonsyndromic deafness 17. Identifiers: Orphanet 90635, MedGen C1863659, MONDO:0011350, OMIM 603622.
Focal segmental glomerulosclerosis (FSGS). Also called: Glomerulosclerosis, focal; Focal sclerosis with hyalinosis. Identifiers: MedGen C0017668, MONDO:0100313, HP:0000097. Disease mechanism: loss of function.

Allele frequency attached by ClinVar (database versions not stated): gnomAD exomes 0.00205 and 0.00574; ExAC 0.00804; gnomAD 0.02168 and 0.02315; TOPMed 0.02543; 1000 Genomes Project 0.02676; ESP Exome Variant Server 0.02761; 1000 Genomes Project 30x 0.02842.
gnomAD v4.1: 6,407 of 1,610,612 alleles (0.4%); highest among the groups gnomAD compares: African/African-American, 7.5%; 243 homozygotes.

Submissions (12):

Labcorp Genetics (formerly Invitae), Labcorp
Classification: Benign. Last evaluated: 2026-01-26. Review status: criteria provided, single submitter. Criteria: Invitae Variant Classification Sherloc (09022015). Collection method: clinical testing. Allele origin: germline.

ARUP Laboratories, Molecular Genetics and Genomics, ARUP Laboratories
Classification: Benign. Last evaluated: 2025-06-11. Review status: criteria provided, single submitter. Criteria: ARUP Molecular Germline Variant Investigation Process 2024. Collection method: clinical testing. Allele origin: germline.

Blueprint Genetics
Classification: Likely benign. Last evaluated: 2024-11-27. Review status: criteria provided, single submitter. Criteria: ACMG Guidelines, 2015. Collection method: clinical testing. Allele origin: germline.

Mayo Clinic Laboratories, Mayo Clinic
Classification: Benign. Last evaluated: 2023-10-20. Review status: criteria provided, single submitter. Criteria: ACMG Guidelines, 2015. Collection method: clinical testing. Allele origin: germline. Observed: 20 variant alleles.

Genome Diagnostics Laboratory, The Hospital for Sick Children
Classification: Benign for Focal segmental glomerulosclerosis. Last evaluated: 2022-08-16. Review status: criteria provided, single submitter. Criteria: ACMG Guidelines, 2015. Collection method: clinical testing. Allele origin: germline.

Athena Diagnostics
Classification: Benign. Last evaluated: 2018-09-14. Review status: criteria provided, single submitter. Criteria: Athena Diagnostics Criteria. Collection method: clinical testing. Allele origin: germline.

GeneDx
Classification: Benign. Last evaluated: 2018-03-23. Review status: criteria provided, single submitter. Criteria: GeneDx Variant Classification (06012015). Collection method: clinical testing. Allele origin: germline. Affected: yes.
Comment: This variant is considered likely benign or benign based on one or more of the following criteria: it is a conservative change, it occurs at a poorly conserved position in the protein, it is predicted to be benign by multiple in silico algorithms, and/or has population frequency not consistent with disease.

Illumina Laboratory Services, Illumina
Classification: Benign for MYH9-related disorder. Last evaluated: 2018-01-12. Review status: criteria provided, single submitter. Criteria: ICSL Variant Classification Criteria 13 December 2019. Collection method: clinical testing. Allele origin: germline.
Comment: This variant was observed in the ICSL laboratory as part of a predisposition screen in an ostensibly healthy population. It had not been previously curated by ICSL or reported in the Human Gene Mutation Database (HGMD: prior to June 1st, 2018), and was therefore a candidate for classification through an automated scoring system. Utilizing variant allele frequency, disease prevalence and penetrance estimates, and inheritance mode, an automated score was calculated to assess if this variant is too frequent to cause the disease. Based on the score and internal cut-off values, a variant classified as benign is not then subjected to further curation. The score for this variant resulted in a classification of benign for this disease.

Illumina Laboratory Services, Illumina
Classification: Benign for Autosomal dominant nonsyndromic hearing loss 17. Last evaluated: 2018-01-12. Review status: criteria provided, single submitter. Criteria: ICSL Variant Classification Criteria 13 December 2019. Collection method: clinical testing. Allele origin: germline.
Comment: the same text as in the submission from Illumina Laboratory Services, Illumina above.

Laboratory for Molecular Medicine, Mass General Brigham Personalized Medicine
Classification: Benign. Last evaluated: 2012-04-30. Review status: criteria provided, single submitter. Criteria: LMM Criteria. Collection method: clinical testing. Allele origin: germline. Observed: 17 variant alleles.
Comment: 3838-8C>T in Intron 28 of MYH9: This variant is not expected to have clinical si gnificance because it has been identified in 7.8% (293/3736) of African American chromosomes from a broad population by the NHLBI Exome Sequencing Project (dbSNP rs145429636).

Breakthrough Genomics
Classification: Benign. Review status: criteria provided, single submitter. Criteria: ACMG Guidelines, 2015. Collection method: not provided. Allele origin: germline. Inheritance: Autosomal dominant inheritance. Affected: yes.

PreventionGenetics, part of Exact Sciences
Classification: Benign. Review status: criteria provided, single submitter. Criteria: ACMG Guidelines, 2015. Collection method: clinical testing. Allele origin: germline.